The following is an entry in ClinVar:

NC_012920.1(MT-ND5):m.13129C>T

Gene: MT-ND5 (mitochondrially encoded NADH dehydrogenase 5; plus strand).
Variant type: single nucleotide variant.
Genome position: chrM-13129-C-T.
Identifiers: ClinVar variation 693523 (VCV000693523.1), dbSNP rs1603224056, ClinGen allele CA414816617.

ClinVar aggregate classification (germline): Benign (1 of 4 stars; one submission).

Conditions:
Leigh syndrome (NULS). Also called: Leigh's necrotizing encephalopathy; Leigh's disease; Leigh Syndrome (mtDNA deletion); Leigh Disease; Subacute necrotizing encephalopathy; Necrotizing encephalopathy infantile subacute of Leigh. Identifiers: Orphanet 506, MedGen C2931891, MONDO:0009723, OMIM 256000.

Submission:

Wong Mito Lab, Molecular and Human Genetics, Baylor College of Medicine
Classification: Benign for Leigh syndrome. Last evaluated: 2019-10-17. Review status: criteria provided, single submitter. Criteria: Modified ACMG Guidelines (Unpublished). Collection method: clinical testing. Allele origin: germline.
Comment: The NC_012920.1:m.13129C>T (YP_003024036.1:p.Pro265Ser) variant in MTND5 gene is interpretated to be a Benign variant based on the modified ACMG guidelines (unpublished). This variant meets the following evidence codes: BS1, BS2